The following is an entry in ClinVar:

ClinVar aggregate classification (germline): Uncertain significance (1 of 4 stars; one submission).

Allele frequency attached by ClinVar (database versions not stated): gnomAD exomes below 0.00001.
gnomAD v4.1: 1 of 1,614,064 alleles (0.000062%); highest among the groups gnomAD compares: Non-Finnish European, 0.000085%; no homozygotes.

Submission:

Labcorp Genetics (formerly Invitae), Labcorp
Classification: Uncertain significance. Last evaluated: 2022-05-04. Review status: criteria provided, single submitter. Criteria: Invitae Variant Classification Sherloc (09022015). Collection method: clinical testing. Allele origin: germline.
Comment: In summary, the available evidence is currently insufficient to determine the role of this variant in disease. Therefore, it has been classified as a Variant of Uncertain Significance. Algorithms developed to predict the effect of missense changes on protein structure and function are either unavailable or do not agree on the potential impact of this missense change (SIFT: "Deleterious"; PolyPhen-2: "Benign"; Align-GVGD: "Class C25"). This variant has not been reported in the literature in individuals affected with BMP1-related conditions. This variant is not present in population databases (gnomAD no frequency). This sequence change replaces valine, which is neutral and non-polar, with leucine, which is neutral and non-polar, at codon 622 of the BMP1 protein (p.Val622Leu).

NM_006129.5(BMP1):c.1864G>C (p.Val622Leu)

Gene: BMP1 (bone morphogenetic protein 1; plus strand). Cytogenetic location: 8p21.3.
Variant type: single nucleotide variant.
Coding change: c.1864G>C on transcript NM_006129.5 (MANE Select); coding-DNA position 1864, G replaced by C.
Protein change: p.Val622Leu; replaces valine 622 with leucine.
Molecular consequence: missense variant. On other transcripts: non-coding transcript variant (2).
Genome position (GRCh38, 1-based): chr8:22,196,778, G>C. VCF-style: chr8-22196778-G-C. GRCh37 (hg19) VCF-style: chr8-22054291-G-C.
Other names: c.1864G>C, p.Val622Leu (NM_001199.4); short protein forms V622L.
Identifiers: ClinVar variation 1965203 (VCV001965203.5), dbSNP rs199532380, ClinGen allele CA370498629.